The following is an entry in ClinVar:

ClinVar aggregate classification (germline): Uncertain significance (1 of 4 stars; one submission).

Conditions:
Familial cancer of breast. Also called: BREAST CANCER, FAMILIAL; hereditary breast carcinoma; Hereditary breast cancer. Identifiers: Orphanet 227535, MedGen C0346153, MONDO:0016419, OMIM 114480. Disease mechanism: loss of function.

Submission:

Labcorp Genetics (formerly Invitae), Labcorp
Classification: Uncertain significance for Familial cancer of breast. Last evaluated: 2023-08-25. Review status: criteria provided, single submitter. Criteria: Invitae Variant Classification Sherloc (09022015). Collection method: clinical testing. Allele origin: germline.
Comment: In summary, the available evidence is currently insufficient to determine the role of this variant in disease. Therefore, it has been classified as a Variant of Uncertain Significance. Advanced modeling of protein sequence and biophysical properties (such as structural, functional, and spatial information, amino acid conservation, physicochemical variation, residue mobility, and thermodynamic stability) performed at Invitae indicates that this missense variant is not expected to disrupt PALB2 protein function. This variant has not been reported in the literature in individuals affected with PALB2-related conditions. This variant is not present in population databases (gnomAD no frequency). This sequence change replaces glutamine, which is neutral and polar, with histidine, which is basic and polar, at codon 568 of the PALB2 protein (p.Gln568His).

NM_024675.4(PALB2):c.1704A>T (p.Gln568His)

Gene: PALB2 (partner and localizer of BRCA2; minus strand). Cytogenetic location: 16p12.2.
Variant type: single nucleotide variant.
Coding change: c.1704A>T on transcript NM_024675.4 (MANE Select); coding-DNA position 1704, A replaced by T.
Protein change: p.Gln568His; replaces glutamine 568 with histidine.
Molecular consequence: missense variant. On other transcripts: 5 prime UTR variant (2), intron variant (1).
Genome position (GRCh38, 1-based): chr16:23,630,450, T>A on the plus strand (A>T on the coding strand, the complement: PALB2 is on the minus strand). VCF-style: chr16-23630450-T-A. GRCh37 (hg19) VCF-style: chr16-23641771-T-A.
Other names: c.1644A>T, p.Gln548His (NM_001407296.1); c.1704A>T, p.Gln568His (NM_001407297.1, NM_001407298.1, NM_001407299.1 and 3 more transcripts); c.819A>T, p.Gln273His (NM_001407304.1, NM_001407305.1, NM_001407306.1 and 5 more transcripts); c.-85A>T (NM_001407312.1, NM_001407313.1); c.49-1175A>T (NM_001407314.1); short protein forms Q273H, Q568H, Q548H.
Identifiers: ClinVar variation 2755031 (VCV002755031.3), dbSNP rs876658676, ClinGen allele CA395128434.
Genomic context (GRCh38, chr16:23,630,450, plus strand): 5'-GAAAGCATCATCATCCAAGGATAAATAAGCACTATTACTCCAAGAAAGGGAATCCTCTTT[T>A]TGATGACGACTTTTCTTCCCTAAAGAAGAAAAATAAGTCACAAAATAGTAACAAAACCCA-3'
Protein context (NP_078951.2, residues 558-578): IQVKGKKSRH[Gln568His]KEDSLSWSNS